The following is an entry in ClinVar:

ClinVar aggregate classification (germline): Uncertain significance (1 of 4 stars; one submission).

Conditions:
Hereditary cancer-predisposing syndrome. Also called: Neoplastic Syndromes, Hereditary; Hereditary Cancer Syndrome; Hereditary neoplastic syndrome; Tumor predisposition. Identifiers: Orphanet 140162, MedGen C0027672, MeSH D009386, MONDO:0015356.

Submission:

Ambry Genetics
Classification: Uncertain significance for Hereditary cancer-predisposing syndrome. Last evaluated: 2016-03-23. Review status: criteria provided, single submitter. Criteria: Ambry Variant Classification Scheme 2023. Collection method: clinical testing. Allele origin: germline.
Comment: The p.R2964K variant (also known as c.8891G>A), located in coding exon 21 of the BRCA2 gene, results from a G to A substitution at nucleotide position 8891. The arginine at codon 2964 is replaced by lysine, an amino acid with highly similar properties. This variant was not reported in population based cohorts in the following databases: Database of Single Nucleotide Polymorphisms (dbSNP), NHLBI Exome Sequencing Project (ESP), and 1000 Genomes Project. In the ESP, this variant was not observed in 6503 samples (13006 alleles) with coverage at this position. To date, this alteration has been detected with an allele frequency of approximately 0.0004% (greater than 225000 alleles tested) in our clinical cohort. This amino acid position is highly conserved in available vertebrate species. In addition, the in silico prediction for this alteration is inconclusive. Since supporting evidence is limited at this time, the clinical significance of this alteration remains unclear.

NM_000059.4(BRCA2):c.8891G>A (p.Arg2964Lys)

Gene: BRCA2 (BRCA2 DNA repair associated; plus strand). Cytogenetic location: 13q13.1.
Variant type: single nucleotide variant.
Coding change: c.8891G>A on transcript NM_000059.4 (MANE Select); coding-DNA position 8891, G replaced by A.
Protein change: p.Arg2964Lys; replaces arginine 2964 with lysine.
Molecular consequence: missense variant.
Genome position (GRCh38, 1-based): chr13:32,379,453, G>A. VCF-style: chr13-32379453-G-A. GRCh37 (hg19) VCF-style: chr13-32953590-G-A.
Other names: short protein forms R2964K.
Identifiers: ClinVar variation 479307 (VCV000479307.5), dbSNP rs1555288392, ClinGen allele CA387756492.
Genomic context (GRCh38, chr13:32,379,453, plus strand): 5'-TCCAGTTGGAAATTAGGAAGGCCATGGAATCTGCTGAACAAAAGGAACAAGGTTTATCAA[G>A]GGATGTCACAACCGTGTGGAAGTTGCGTATTGTAAGCTATTCAAAAAAAGAAAAAGATTC-3'
Protein context (NP_000050.3, residues 2954-2974): SAEQKEQGLS[Arg2964Lys]DVTTVWKLRI